The following is an entry in ClinVar:

NM_006662.3(SRCAP):c.6376_6379dup (p.Leu2127fs)

Gene: SRCAP (Snf2 related CREBBP activator protein; plus strand). Cytogenetic location: 16p11.2.
Variant type: Duplication.
Coding change: c.6376_6379dup on transcript NM_006662.3 (MANE Select); coding-DNA positions 6376 to 6379, 4 bases duplicated (AACC; older notation c.6376_6379dupAACC).
Protein change: p.Leu2127fs; shifts the reading frame from leucine 2127.
Molecular consequence: frameshift variant.
Genome position (GRCh38, 1-based): chr16:30,733,680-30,733,683, AACC duplicated. VCF-style (leftmost placement, unchanged base first): chr16-30733679-G-GAACC. GRCh37 (hg19) VCF-style: chr16-30745000-G-GAACC.
Other names: short protein forms L2127fs.
Identifiers: ClinVar variation 4531263 (VCV004531263.1).

ClinVar aggregate classification (germline): Likely pathogenic (1 of 4 stars; one submission).

Conditions:
Developmental delay, hypotonia, musculoskeletal defects, and behavioral abnormalities. Identifiers: MedGen C5562012, MONDO:0859202, OMIM 619595.

Submission:

Juno Genomics, Hangzhou Juno Genomics, Inc
Classification: Likely pathogenic for Developmental delay, hypotonia, musculoskeletal defects, and behavioral abnormalities. Review status: criteria provided, single submitter. Criteria: ACMG Guidelines, 2015. Collection method: clinical testing. Allele origin: germline. Affected: yes.
Comment: Absent from controls (or at extremely low frequency if recessive) in Genome Aggregation Database, Exome Sequencing Project, 1000 Genomes Project, or Exome Aggregation Consortium.;Null variant in a gene where loss of function (LOF) is a known mechanism of disease.